The following is an entry in ClinVar:

ClinVar aggregate classification (germline): Likely benign (1 of 4 stars; one submission).

Submission:

CeGaT Center for Human Genetics Tuebingen
Classification: Likely benign. Last evaluated: 2025-12-01. Review status: criteria provided, single submitter. Criteria: CeGaT Center For Human Genetics Tuebingen Variant Classification Criteria Version 2. Collection method: clinical testing. Allele origin: germline. Affected: yes. Observed: 2 variant alleles.
Comment: NANOS1: BS1

NM_199461.4(NANOS1):c.518CCA[5] (p.Thr176_Ser177insThr)

Gene: NANOS1 (nanos C2HC-type zinc finger 1; plus strand). Cytogenetic location: 10q26.11.
Variant type: Microsatellite.
Coding change: c.518CCA[5] on transcript NM_199461.4 (MANE Select); five copies in a row of the 3-base unit CCA starting at c.518; the reference has four copies in a row; one copy, 3 bases duplicated.
Protein change: p.Thr176_Ser177insThr.
Molecular consequence: inframe insertion.
Genome position (GRCh38, 1-based): chr10:119,030,328-119,030,330, CCA duplicated; duplicating any 3 consecutive bases within chr10:119,030,319-119,030,330 gives the same sequence; the position shown is the placement nearest the transcript's 3' end. VCF-style (leftmost placement, unchanged base first): chr10-119030318-G-GCCA. GRCh37 (hg19) VCF-style: chr10-120789830-G-GCCA.
Identifiers: ClinVar variation 4533638 (VCV004533638.6).